The following is an entry in ClinVar:

ClinVar aggregate classification (germline): Uncertain significance (1 of 4 stars; one submission).

gnomAD v4.1: 1 of 1,613,896 alleles (0.000062%); highest among the groups gnomAD compares: Non-Finnish European, 0.000085%; no homozygotes.

Submission:

GeneDx
Classification: Uncertain significance. Last evaluated: 2022-12-12. Review status: criteria provided, single submitter. Criteria: GeneDx Variant Classification Process June 2021. Collection method: clinical testing. Allele origin: germline. Affected: yes.
Comment: Not observed at significant frequency in large population cohorts (gnomAD); In silico analysis supports that this missense variant has a deleterious effect on protein structure/function; Has not been previously published as pathogenic or benign to our knowledge

NM_001384125.1(BLTP1):c.14051C>T (p.Pro4684Leu)

Gene: BLTP1 (bridge-like lipid transfer protein family member 1; plus strand). Cytogenetic location: 4q27.
Variant type: single nucleotide variant.
Coding change: c.14051C>T on transcript NM_001384125.1 (MANE Select); coding-DNA position 14051, C replaced by T.
Protein change: p.Pro4684Leu; replaces proline 4684 with leucine.
Molecular consequence: missense variant.
Genome position (GRCh38, 1-based): chr4:122,350,012, C>T. VCF-style: chr4-122350012-C-T. GRCh37 (hg19) VCF-style: chr4-123271167-C-T.
Other names: c.13787C>T, p.Pro4596Leu (NM_015312.4); short protein forms P4596L, P4684L.
Identifiers: ClinVar variation 2505733 (VCV002505733.1), dbSNP rs1322919507, ClinGen allele CA358094503.